The following is an entry in ClinVar:

ClinVar aggregate classification (germline): Uncertain significance. Review status: criteria provided, single submitter (1 of 4 stars). 4 submissions from 4 submitters: Uncertain significance (1). 3 of the submissions do not count toward it. Last evaluated 2023-07-18.

Conditions:
Familial sleep-related hypermotor epilepsy. Also called: Autosomal Dominant Sleep-Related Hypermotor (Hyperkinetic) Epilepsy. Identifiers: Orphanet 98784, MedGen C3696898, MONDO:0000030.
Autosomal dominant nocturnal frontal lobe epilepsy 1. Also called: EPILEPSY, NOCTURNAL FRONTAL LOBE, TYPE 1; CHRNA4-Related Nocturnal Frontal Lobe Epilepsy, Autosomal Dominant. Identifiers: Orphanet 98784, MedGen C1838049, MONDO:0010899, OMIM 600513.

Allele frequency attached by ClinVar (database versions not stated): gnomAD 0.00001; gnomAD exomes 0.00001; TOPMed 0.00002; ExAC 0.00002.

Submissions (4):

Labcorp Genetics (formerly Invitae), Labcorp
Classification: Uncertain significance. Last evaluated: 2023-07-18. Review status: criteria provided, single submitter. Criteria: Invitae Variant Classification Sherloc (09022015). Collection method: clinical testing. Allele origin: germline.
Comment: This sequence change replaces asparagine, which is neutral and polar, with serine, which is neutral and polar, at codon 329 of the CHRNA4 protein (p.Asn329Ser). This variant is present in population databases (rs201046441, gnomAD 0.003%). This variant has not been reported in the literature in individuals affected with CHRNA4-related conditions. ClinVar contains an entry for this variant (Variation ID: 1297501). Advanced modeling of protein sequence and biophysical properties (such as structural, functional, and spatial information, amino acid conservation, physicochemical variation, residue mobility, and thermodynamic stability) performed at Invitae indicates that this missense variant is expected to disrupt CHRNA4 protein function. In summary, the available evidence is currently insufficient to determine the role of this variant in disease. Therefore, it has been classified as a Variant of Uncertain Significance.

Zotz-Klimas Genetics Lab, MVZ Zotz Klimas
Classification: Uncertain significance for Autosomal dominant nocturnal frontal lobe epilepsy 1. Last evaluated: 2023-10-30. Review status: no assertion criteria provided. Collection method: clinical testing. Allele origin: germline. Affected: yes. Not counted in ClinVar's aggregate classification.

Diagnostic Laboratory, Department of Genetics, University Medical Center Groningen
Classification: Uncertain significance. Review status: no assertion criteria provided. Collection method: clinical testing. Allele origin: germline. Affected: yes. Study: VKGL Data-share Consensus. Not counted in ClinVar's aggregate classification.

Joint Genome Diagnostic Labs from Nijmegen and Maastricht, Radboudumc and MUMC+
Classification: Uncertain significance. Review status: no assertion criteria provided. Collection method: clinical testing. Allele origin: germline. Affected: yes. Study: VKGL Data-share Consensus. Not counted in ClinVar's aggregate classification.

NM_000744.7(CHRNA4):c.986A>G (p.Asn329Ser)

Gene: CHRNA4 (cholinergic receptor nicotinic alpha 4 subunit; minus strand). Cytogenetic location: 20q13.33.
Variant type: single nucleotide variant.
Coding change: c.986A>G on transcript NM_000744.7 (MANE Select); coding-DNA position 986, A replaced by G.
Protein change: p.Asn329Ser; replaces asparagine 329 with serine.
Molecular consequence: missense variant. On other transcripts: non-coding transcript variant (1).
Genome position (GRCh38, 1-based): chr20:63,350,425, T>C on the plus strand (A>G on the coding strand, the complement: CHRNA4 is on the minus strand). VCF-style: chr20-63350425-T-C. GRCh37 (hg19) VCF-style: chr20-61981777-T-C.
Other names: c.458A>G, p.Asn153Ser (NM_001256573.2); short protein forms N153S, N329S.
Identifiers: ClinVar variation 1297501 (VCV001297501.11), dbSNP rs201046441, ClinGen allele CA9957684.